The following is an entry in ClinVar:

NM_006218.4(PIK3CA):c.971C>T (p.Thr324Ile)

Gene: PIK3CA (phosphatidylinositol-4,5-bisphosphate 3-kinase catalytic subunit alpha; plus strand). Cytogenetic location: 3q26.32.
Variant type: single nucleotide variant.
Coding change: c.971C>T on transcript NM_006218.4 (MANE Select); coding-DNA position 971, C replaced by T.
Protein change: p.Thr324Ile; replaces threonine 324 with isoleucine.
Molecular consequence: missense variant.
Genome position (GRCh38, 1-based): chr3:179,203,701, C>T. VCF-style: chr3-179203701-C-T. GRCh37 (hg19) VCF-style: chr3-178921489-C-T.
Other names: short protein forms T324I.
Identifiers: ClinVar variation 1965268 (VCV001965268.5), dbSNP rs1724481700, ClinGen allele CA355280886.

ClinVar aggregate classification (germline): Uncertain significance (1 of 4 stars; one submission).

Conditions:
Cowden syndrome (CS). Also called: Cowden's disease; Cowden's syndrome; Cowden disease. Identifiers: Orphanet 201, MedGen C0018553, MONDO:0016063. Disease mechanism: gain of function.

Allele frequency attached by ClinVar (database versions not stated): gnomAD 0.00001.
gnomAD v4.1: 1 of 1,613,422 alleles (0.000062%); highest among the groups gnomAD compares: Non-Finnish European, 0.000085%; no homozygotes.

Submission:

Labcorp Genetics (formerly Invitae), Labcorp
Classification: Uncertain significance for Cowden syndrome. Last evaluated: 2022-07-23. Review status: criteria provided, single submitter. Criteria: Invitae Variant Classification Sherloc (09022015). Collection method: clinical testing. Allele origin: germline.
Comment: In summary, the available evidence is currently insufficient to determine the role of this variant in disease. Therefore, it has been classified as a Variant of Uncertain Significance. Advanced modeling of protein sequence and biophysical properties (such as structural, functional, and spatial information, amino acid conservation, physicochemical variation, residue mobility, and thermodynamic stability) performed at Invitae indicates that this missense variant is not expected to disrupt PIK3CA protein function. This sequence change replaces threonine, which is neutral and polar, with isoleucine, which is neutral and non-polar, at codon 324 of the PIK3CA protein (p.Thr324Ile). This variant is not present in population databases (gnomAD no frequency). This variant has not been reported in the literature in individuals affected with PIK3CA-related conditions.